The following is an entry in ClinVar:

NM_003072.5(SMARCA4):c.3029A>G (p.His1010Arg)

Gene: SMARCA4 (SWI/SNF related BAF chromatin remodeling complex subunit ATPase 4; plus strand). Cytogenetic location: 19p13.2.
Variant type: single nucleotide variant.
Coding change: c.3029A>G on transcript NM_003072.5 (MANE Select); coding-DNA position 3029, A replaced by G.
Protein change: p.His1010Arg; replaces histidine 1010 with arginine.
Molecular consequence: missense variant. On other transcripts: non-coding transcript variant (1).
Genome position (GRCh38, 1-based): chr19:11,024,386, A>G. VCF-style: chr19-11024386-A-G. GRCh37 (hg19) VCF-style: chr19-11135062-A-G.
Other names: c.3029A>G, p.His1010Arg (NM_001128844.3, NM_001128845.2, NM_001128846.2 and 6 more transcripts); short protein forms H1010R.
Identifiers: ClinVar variation 2806414 (VCV002806414.3), dbSNP rs2146474071, ClinGen allele CA404058996.

ClinVar aggregate classification (germline): Uncertain significance (1 of 4 stars; one submission).

Conditions:
Rhabdoid tumor predisposition syndrome 2 (RTPS2). Identifiers: Orphanet 231108, Orphanet 69077, MedGen C2750074, MONDO:0013224, OMIM 613325.

Submission:

Labcorp Genetics (formerly Invitae), Labcorp
Classification: Uncertain significance for Rhabdoid tumor predisposition syndrome 2. Last evaluated: 2022-12-22. Review status: criteria provided, single submitter. Criteria: Invitae Variant Classification Sherloc (09022015). Collection method: clinical testing. Allele origin: germline.
Comment: This variant has not been reported in the literature in individuals affected with SMARCA4-related conditions. In summary, the available evidence is currently insufficient to determine the role of this variant in disease. Therefore, it has been classified as a Variant of Uncertain Significance. Advanced modeling of protein sequence and biophysical properties (such as structural, functional, and spatial information, amino acid conservation, physicochemical variation, residue mobility, and thermodynamic stability) performed at Invitae indicates that this missense variant is expected to disrupt SMARCA4 protein function. This variant is not present in population databases (gnomAD no frequency). This sequence change replaces histidine, which is basic and polar, with arginine, which is basic and polar, at codon 1010 of the SMARCA4 protein (p.His1010Arg).